The following is an entry in ClinVar:

ClinVar aggregate classification (germline): Uncertain significance (1 of 4 stars; one submission).

Conditions:
Hypertrophic cardiomyopathy 9. Also called: Familial hypertrophic cardiomyopathy 9. Identifiers: MedGen C1861065, MONDO:0013412, OMIM 613765.

Submission:

Agnes Ginges Centre for Molecular Cardiology, Centenary Institute
Classification: Uncertain significance for Hypertrophic cardiomyopathy 9. Last evaluated: 2018-10-11. Review status: criteria provided, single submitter. Criteria: ACMG Guidelines, 2015. Collection method: research. Allele origin: germline. Inheritance: Autosomal dominant inheritance. Affected: yes.
Comment: TTN Ser2859Leu has not been previously reported and is absent from the Genome Aggregation Database. In silico tool, SIFT predicts this variant to be deleterious, but MutationTaster and PolyPhen2 predicts it to be benign. Based on this information we classify this as a variant of 'uncertain significance'.

NM_001267550.2(TTN):c.8576C>T (p.Ser2859Leu)

Gene: TTN (titin; minus strand). Cytogenetic location: 2q31.2.
Variant type: single nucleotide variant.
Coding change: c.8576C>T on transcript NM_001267550.2 (MANE Select); coding-DNA position 8576, C replaced by T.
Protein change: p.Ser2859Leu; replaces serine 2859 with leucine.
Molecular consequence: missense variant.
Genome position (GRCh38, 1-based): chr2:178,770,125, G>A on the plus strand (C>T on the coding strand, the complement: TTN is on the minus strand). VCF-style: chr2-178770125-G-A. GRCh37 (hg19) VCF-style: chr2-179634852-G-A.
Other names: c.8576C>T, p.Ser2859Leu (NM_001256850.1, NM_133378.4, NM_133379.5); c.8438C>T, p.Ser2813Leu (NM_003319.4, NM_133432.3, NM_133437.4); short protein forms S2813L, S2859L.
Identifiers: ClinVar variation 810750 (VCV000810750.1), dbSNP rs1574564600, ClinGen allele CA349677075.